The following is an entry in ClinVar:

ClinVar aggregate classification (germline): Uncertain significance. Review status: criteria provided, multiple submitters, no conflicts (2 of 4 stars). 2 submissions from 2 submitters: Uncertain significance (2). Last evaluated 2023-05-12.

Conditions:
Developmental and epileptic encephalopathy 94 (DEE94). Also called: Epileptic encephalopathy, childhood-onset; CHD2-Related Neurodevelopmental Disorders. Identifiers: Orphanet 1942, Orphanet 2382, MedGen C3809278, MONDO:0014150, OMIM 615369.

Submissions (2):

Labcorp Genetics (formerly Invitae), Labcorp
Classification: Uncertain significance for Developmental and epileptic encephalopathy 94. Last evaluated: 2023-05-12. Review status: criteria provided, single submitter. Criteria: Invitae Variant Classification Sherloc (09022015). Collection method: clinical testing. Allele origin: germline.
Comment: This sequence change replaces leucine, which is neutral and non-polar, with methionine, which is neutral and non-polar, at codon 1176 of the CHD2 protein (p.Leu1176Met). In summary, the available evidence is currently insufficient to determine the role of this variant in disease. Therefore, it has been classified as a Variant of Uncertain Significance. Advanced modeling of protein sequence and biophysical properties (such as structural, functional, and spatial information, amino acid conservation, physicochemical variation, residue mobility, and thermodynamic stability) performed at Invitae indicates that this missense variant is not expected to disrupt CHD2 protein function. ClinVar contains an entry for this variant (Variation ID: 452699). This variant has not been reported in the literature in individuals affected with CHD2-related conditions. This variant is not present in population databases (gnomAD no frequency).

GeneDx
Classification: Uncertain significance. Last evaluated: 2017-10-12. Review status: criteria provided, single submitter. Criteria: GeneDx Variant Classification (06012015). Collection method: clinical testing. Allele origin: germline. Affected: yes.
Comment: A variant of uncertain significance has been identified in the CHD2 gene. The L1176M variant hasnot been published as a pathogenic variant, nor has it been reported as a benign variant to ourknowledge. The L1176M variant is not observed in large population cohorts (Lek et al., 2016). TheL1176M variant is a conservative amino acid substitution, which is not likely to impact secondaryprotein structure as these residues share similar properties. However, this substitution occurs at aposition that is conserved across species, and in silico analysis predicts this variant is probablydamaging to the protein structure/function. Therefore, based on the currently available information, it is unclear whether this variant is a pathogenic variant or a rare benign variant.

NM_001271.4(CHD2):c.3526C>A (p.Leu1176Met)

Gene: CHD2 (chromodomain helicase DNA binding protein 2; plus strand). Cytogenetic location: 15q26.1.
Variant type: single nucleotide variant.
Coding change: c.3526C>A on transcript NM_001271.4 (MANE Select); coding-DNA position 3526, C replaced by A.
Protein change: p.Leu1176Met; replaces leucine 1176 with methionine.
Molecular consequence: missense variant.
Genome position (GRCh38, 1-based): chr15:92,992,929, C>A. VCF-style: chr15-92992929-C-A. GRCh37 (hg19) VCF-style: chr15-93536159-C-A.
Other names: short protein forms L1176M.
Identifiers: ClinVar variation 452699 (VCV000452699.5), dbSNP rs1555444216, ClinGen allele CA393896670.